The following is an entry in ClinVar:

NM_005912.3(MC4R):c.380C>T (p.Ser127Leu)

Gene: MC4R (melanocortin 4 receptor; minus strand). Cytogenetic location: 18q21.32.
Variant type: single nucleotide variant.
Coding change: c.380C>T on transcript NM_005912.3 (MANE Select); coding-DNA position 380, C replaced by T.
Protein change: p.Ser127Leu; replaces serine 127 with leucine.
Molecular consequence: missense variant.
Genome position (GRCh38, 1-based): chr18:60,371,970, G>A on the plus strand (C>T on the coding strand, the complement: MC4R is on the minus strand). VCF-style: chr18-60371970-G-A. GRCh37 (hg19) VCF-style: chr18-58039203-G-A.
Other names: short protein forms S127L.
Identifiers: ClinVar variation 14336 (VCV000014336.68), dbSNP rs13447331, ClinGen allele CA210725.

ClinVar aggregate classification (germline): Conflicting classifications of pathogenicity. Review status: criteria provided, conflicting classifications (1 of 4 stars). 15 submissions from 15 submitters: Pathogenic (2); Likely pathogenic (9); Uncertain significance (3). 1 of the submissions does not count toward it. Last evaluated 2026-09-01.

Conditions:
Obesity due to melanocortin 4 receptor deficiency. Identifiers: Orphanet 71529, MedGen C4273958, MONDO:0019115.
MC4R-related disorder. Also called: MC4R-related condition.
BODY MASS INDEX QUANTITATIVE TRAIT LOCUS 20 (BMIQ20). Also called: MELANOCORTIN 4 RECEPTOR DEFICIENCY; MC4R DEFICIENCY. Identifiers: MedGen C4759928, OMIM 618406.
Obesity. Also called: Obesity disorder. Identifiers: Orphanet 71529, MedGen C0028754, MeSH D009765, MONDO:0011122, HP:0001513.
Early onset severe obesity. Identifiers: MedGen C4013980.

Allele frequency attached by ClinVar (database versions not stated): ExAC 0.00016; gnomAD exomes 0.00017 and 0.00012; TOPMed 0.00006; gnomAD 0.00008.

Submissions 1 to 11 of 15:

CeGaT Center for Human Genetics Tuebingen
Classification: Uncertain significance. Last evaluated: 2026-09-01. Review status: criteria provided, single submitter. Criteria: CeGaT Center For Human Genetics Tuebingen Variant Classification Criteria Version 2. Collection method: clinical testing. Allele origin: germline. Affected: yes. Observed: 4 variant alleles.
Comment: MC4R: PS4:Moderate, PS3:Supporting

PreventionGenetics, part of Exact Sciences
Classification: Likely pathogenic for MC4R-related condition. Last evaluated: 2026-07-13. Review status: criteria provided, single submitter. Criteria: ACMG Guidelines, 2015. Collection method: clinical testing. Allele origin: germline.
Comment: The MC4R c.380C>T variant is predicted to result in the amino acid substitution p.Ser127Leu. This variant has been identified in the heterozygous state in multiple individuals with obesity (Lubrano-Berthelier et al. 2004. PubMed ID: 15126516; Stutzmann et al. 2008. PubMed ID: 18559663; Stankiova et al. 2015. PubMed ID: 26047380). However, it has also been described in lean individuals (Stankiova et al. 2015. PubMed ID: 26047380; Rouskas et al. 2012. PubMed ID: 22447289). Multiple functional studies testing this variant have shown that it alters the protein’s biophysical properties and cell surface expression (for a review see Fan and Tao. 2009. PubMed ID: 19298524). This variant is interpreted as likely pathogenic in ClinVar by the vast majority of labs (Variation ID: 14336). Based on the collective information, we interpret this variant as likely pathogenic.

Variantyx, Inc.
Classification: Likely pathogenic for BODY MASS INDEX QUANTITATIVE TRAIT LOCUS 20. Last evaluated: 2025-10-30. Review status: criteria provided, single submitter. Criteria: Variantyx Assertion Criteria 2022. Collection method: clinical testing. Allele origin: germline. Inheritance: Semidominant inheritance. Affected: no.
Comment: This is a nonsynonymous variant in the MC4R gene (OMIM: 155541). Pathogenic variants in this gene have been associated with autosomal semidominant obesity (BMIQ20). This variant has been identified in the homozygous or compound heterozygous state in, at least 3 individuals reported in the published literature (PMID 12499395, 12970296, 14764818, 18559663). Computational algorithms produce conflicting evidence regarding the predicted functional impact of this variant (REVEL score: 0.533), but functional studies have shown that this variant alters MC4R protein function (PMID: 19298524, 14764818, 12499395, 12970296, 24385306) (PS3). This variant has a 0.0150% maximum allele frequency in non-founder control populations. Based on the current evidence, this variant is classified as uncertain for autosomal semidominant obesity (BMIQ20).

GeneDx
Classification: Uncertain significance. Last evaluated: 2025-04-25. Review status: criteria provided, single submitter. Criteria: GeneDx Variant Classification Process June 2021. Collection method: clinical testing. Allele origin: germline. Affected: yes.
Comment: Reported as a single heterozygous variant and in patients with a second variant in the MC4R gene in the published literature in association with obesity (PMID: 24611737, 24385306, 12499395, 26238496, 40231439, 30926952); In silico analysis indicates that this missense variant does not alter protein structure/function; Published functional studies demonstrate a damaging effect leading to decreased membrane trafficking and functional activity (PMID: 12499395, 24385306); This variant is associated with the following publications: (PMID: 24385306, 12499395, 26238496, 17357083, 23791567, 16752916, 18559663, 17628007, 19091795, 23146882, 20696697, 12970296, 14764818, 19298524, 22447289, 16083993, 26047380, 35562395, 17590021, 31447099, 30048591, 37040537, 38528040, 34045736, 32059383, 32952152, 35801948, 24611737, 30926952, 37601970, 40231439, 37025415)

Labcorp Genetics (formerly Invitae), Labcorp
Classification: Likely pathogenic. Last evaluated: 2025-04-09. Review status: criteria provided, single submitter. Criteria: Invitae Variant Classification Sherloc (09022015). Collection method: clinical testing. Allele origin: germline.
Comment: This sequence change replaces serine, which is neutral and polar, with leucine, which is neutral and non-polar, at codon 127 of the MC4R protein (p.Ser127Leu). This variant is present in population databases (rs13447331, gnomAD 0.1%). This missense change has been observed in individual(s) with autosomal dominant severe obesity (PMID: 12499395, 12970296, 14764818, 18559663, 24385306, 24611737, 26238496, 30926952). It has also been observed to segregate with disease in related individuals. ClinVar contains an entry for this variant (Variation ID: 14336). Invitae Evidence Modeling of protein sequence and biophysical properties (such as structural, functional, and spatial information, amino acid conservation, physicochemical variation, residue mobility, and thermodynamic stability) indicates that this missense variant is not expected to disrupt MC4R protein function with a negative predictive value of 80%. Experimental studies are conflicting or provide insufficient evidence to determine the effect of this variant on MC4R function (PMID: 12970296, 14764818, 22447289, 24385306). In summary, the currently available evidence indicates that the variant is pathogenic, but additional data are needed to prove that conclusively. Therefore, this variant has been classified as Likely Pathogenic.

Cambridge Genomics Laboratory, East Genomic Laboratory Hub, NHS Genomic Medicine Service
Classification: Pathogenic for Severe early-onset obesity. Last evaluated: 2024-09-17. Review status: criteria provided, single submitter. Criteria: ACGS Best Practice Guidelines for Variant Classification in Rare Disease 2020. Collection method: clinical testing. Allele origin: germline. Affected: yes.
Comment: The p.Ser127Leu variant is novel (not in any individuals) in 1kG All. (PM2 - Moderate) | 2 variants within 6 amino acid positions of the variant p.Ser127Leu have been shown to be pathogenic, while only 1 have been shown to be benign. There are no benign variants within 3 amino acid positions of the variant p.Ser127Leu. (PM1 - Moderate) | Functional studies demonstrate that this variant has a damaging effect on the gene or gene product (PS3_Moderate - Moderate) | The variant cosegregates with the disease in multiple affected family members. (PP1 - Supporting) | The patient's phenotype or family history is highly specific for a disease with a single genetic etiology. (PP4 - Supporting)

Revvity Omics, Revvity
Classification: Likely pathogenic for BODY MASS INDEX QUANTITATIVE TRAIT LOCUS 20. Last evaluated: 2023-02-09. Review status: criteria provided, single submitter. Criteria: ACMG Guidelines, 2015. Collection method: clinical testing. Allele origin: germline.

Laboratory for Molecular Medicine, Mass General Brigham Personalized Medicine
Classification: Likely pathogenic for Obesity due to melanocortin 4 receptor deficiency. Last evaluated: 2022-03-03. Review status: criteria provided, single submitter. Criteria: ACMG Guidelines, 2015. Collection method: clinical testing. Allele origin: germline. Inheritance: Autosomal dominant inheritance.
Comment: proposed classification - variant undergoing re-assessment, contact laboratory

Institute of Human Genetics, University of Leipzig Medical Center
Classification: Likely pathogenic for BODY MASS INDEX QUANTITATIVE TRAIT LOCUS 20. Last evaluated: 2022-01-12. Review status: criteria provided, single submitter. Criteria: ACMG Guidelines, 2015. Collection method: clinical testing. Allele origin: unknown. Affected: yes.
Comment: _x000D_ Criteria applied: PS3, PS4_MOD

Institute of Medical Genetics and Applied Genomics, University Hospital Tübingen
Classification: Likely pathogenic. Last evaluated: 2021-09-15. Review status: criteria provided, single submitter. Criteria: ACMG Guidelines, 2015. Collection method: clinical testing. Allele origin: germline. Inheritance: Autosomal dominant inheritance. Affected: yes.

Broad Center for Mendelian Genomics, Broad Institute of MIT and Harvard
Classification: Likely pathogenic for Obesity. Last evaluated: 2020-01-22. Review status: criteria provided, single submitter. Criteria: ACMG Guidelines, 2015. Collection method: curation. Allele origin: germline. Inheritance: Autosomal dominant inheritance.
Comment: The p.Ser127Leu variant in MC4R has been reported in 30 individuals (including 3 German, 3 Latvian, 2 Polish, 2 Iberian, 2 Finnish, 1 Slovak and 1 Czech individuals) who are overweight or have Obesity (PMID: 14764818, 17579204, 12499395, 23146882, 12970296, 24385306, 26047380, 24611737, 18559663, 19284607, 21404042, 19091795, 17357083), and has been identified in 0.1157% (12/10370) of Ashkenazi Jewish chromosomes and 0.02090% (27/129176) of European (non-Finnish) chromosomes by the Genome Aggregation Database (gnomAD; dbSNP rs13447331). Although this variant has been seen in the general population, its frequency is not high enough to rule out a pathogenic role. Please note that for diseases with clinical variability, or reduced penetrance, pathogenic variants may be present at a low frequency in the general population. This variant has also been reported as a VUS, likely pathogenic variant, and pathogenic variant in ClinVar (Variation ID: 14336). In vitro functional studies provide some evidence that the p.Ser127Leu variant may impact protein function (PMID: 14764818, 12499395, 16752916, 12970296, 23791567, 19298524). However, these types of assays may not accurately represent biological function. In summary, although additional studies are required to fully establish its clinical significance, this variant is likely pathogenic. ACMG/AMP Criteria applied: PS4, PS3_moderate (Richards 2015).